The following is an entry in ClinVar:

ClinVar aggregate classification (germline): Uncertain significance (1 of 4 stars; one submission).

Conditions:
Neurofibromatosis, type 1 (NF1). Also called: VON RECKLINGHAUSEN DISEASE; Peripheral type neurofibromatosis; Neurofibromatosis, type I; NEUROFIBROMATOSIS, TYPE I, SOMATIC. Identifiers: Orphanet 636, MedGen C0027831, MONDO:0018975, OMIM 162200. Disease mechanism: loss of function.

Submission:

Labcorp Genetics (formerly Invitae), Labcorp
Classification: Uncertain significance for Neurofibromatosis, type 1. Last evaluated: 2022-05-12. Review status: criteria provided, single submitter. Criteria: Invitae Variant Classification Sherloc (09022015). Collection method: clinical testing. Allele origin: germline.
Comment: This variant has not been reported in the literature in individuals affected with NF1-related conditions. In summary, the available evidence is currently insufficient to determine the role of this variant in disease. Therefore, it has been classified as a Variant of Uncertain Significance. Experimental studies and prediction algorithms are not available or were not evaluated, and the functional significance of this variant is currently unknown. Information on the frequency of this variant in the gnomAD database is not available, as this variant may be reported differently in the database. This sequence change replaces aspartic acid, which is acidic and polar, with asparagine, which is neutral and polar, at codon 2719 of the NF1 protein (p.Asp2719Asn).

NM_001042492.3(NF1):c.8217_8218delinsAA (p.Asp2740Asn)

Gene: NF1 (neurofibromin 1; plus strand). Cytogenetic location: 17q11.2.
Variant type: Indel.
Coding change: c.8217_8218delinsAA on transcript NM_001042492.3 (MANE Select); coding-DNA positions 8217 to 8218, TG replaced by AA.
Protein change: p.Asp2740Asn; replaces aspartic acid 2740 with asparagine.
Molecular consequence: missense variant.
Genome position (GRCh38, 1-based): chr17:31,360,543-31,360,544, TG replaced by AA. VCF-style: chr17-31360543-TG-AA. GRCh37 (hg19) VCF-style: chr17-29687561-TG-AA.
Other names: c.8154_8155delTGinsAA, p.Asp2719Asn (NM_000267.4); short protein forms D2740N, D2719N.
Identifiers: ClinVar variation 1992991 (VCV001992991.4), dbSNP rs2508842898, ClinGen allele CA2580092989.
Genomic context (GRCh38, chr17:31,360,543, plus strand): 5'-ACAGCAAACACAAATTCCAGACTATGCTGAGCTTATTGTTAAGTTTCTTGATGCCTTGAT[TG>AA]ACACGTACCTGCCTGGAATTGATGAAGAAACCAGTGAAGAATCCCTCCTGACTCCCACAT-3'
Protein context (NP_001035957.1, residues 2730-2750): LIVKFLDALI[Asp2740Asn]TYLPGIDEET